The following is an entry in ClinVar:

ClinVar aggregate classification (germline): Conflicting classifications of pathogenicity. Review status: criteria provided, conflicting classifications (1 of 4 stars). 2 submissions from 2 submitters: Uncertain significance (1); Likely benign (1). Last evaluated 2025-08-11.

Conditions:
Hereditary breast ovarian cancer syndrome. Also called: Hereditary breast and ovarian cancer syndrome (HBOC); Hereditary breast and ovarian cancer syndrome; Breast and ovarian cancer; Hereditary breast and/or ovarian cancer syndrome; Hereditary breast and ovarian cancer; BRCA1- and BRCA2-Associated Hereditary Breast and Ovarian Cancer. Identifiers: Orphanet 145, MedGen C0677776, MeSH D061325, MONDO:0003582. Disease mechanism: loss of function.
Hereditary cancer-predisposing syndrome. Also called: Neoplastic Syndromes, Hereditary; Hereditary Cancer Syndrome; Hereditary neoplastic syndrome; Tumor predisposition. Identifiers: Orphanet 140162, MedGen C0027672, MeSH D009386, MONDO:0015356.

Submissions (2):

Labcorp Genetics (formerly Invitae), Labcorp
Classification: Uncertain significance for Hereditary breast ovarian cancer syndrome. Last evaluated: 2025-08-11. Review status: criteria provided, single submitter. Criteria: Invitae Variant Classification Sherloc (09022015). Collection method: clinical testing. Allele origin: germline.
Comment: This sequence change replaces glycine, which is neutral and non-polar, with alanine, which is neutral and non-polar, at codon 931 of the BRCA2 protein (p.Gly931Ala). This variant is not present in population databases (gnomAD no frequency). This variant has not been reported in the literature in individuals affected with BRCA2-related conditions. ClinVar contains an entry for this variant (Variation ID: 462277). Invitae Evidence Modeling of protein sequence and biophysical properties (such as structural, functional, and spatial information, amino acid conservation, physicochemical variation, residue mobility, and thermodynamic stability) indicates that this missense variant is not expected to disrupt BRCA2 protein function with a negative predictive value of 95%. In summary, the available evidence is currently insufficient to determine the role of this variant in disease. Therefore, it has been classified as a Variant of Uncertain Significance.

University of Washington Department of Laboratory Medicine, University of Washington
Classification: Likely benign for Hereditary cancer-predisposing syndrome. Last evaluated: 2023-03-23. Review status: criteria provided, single submitter. Criteria: Dines et al. (Genet Med. 2020). Collection method: curation. Allele origin: germline.
Comment: Missense variant in a coldspot region where missense variants are very unlikely to be pathogenic (PMID:31911673).

BRCA2 exon 11 coldspot. Reclassification based on statistical prior probability.

NM_000059.4(BRCA2):c.2792G>C (p.Gly931Ala)

Gene: BRCA2 (BRCA2 DNA repair associated; plus strand). Cytogenetic location: 13q13.1.
Variant type: single nucleotide variant.
Coding change: c.2792G>C on transcript NM_000059.4 (MANE Select); coding-DNA position 2792, G replaced by C.
Protein change: p.Gly931Ala; replaces glycine 931 with alanine.
Molecular consequence: missense variant.
Genome position (GRCh38, 1-based): chr13:32,337,147, G>C. VCF-style: chr13-32337147-G-C. GRCh37 (hg19) VCF-style: chr13-32911284-G-C.
Other names: short protein forms G931A.
Identifiers: ClinVar variation 462277 (VCV000462277.10), dbSNP rs587781685, ClinGen allele CA387773729.